The following is an entry in ClinVar:

NM_000152.5(GAA):c.1551+49C>A

Gene: GAA (alpha glucosidase; plus strand). Cytogenetic location: 17q25.3.
Variant type: single nucleotide variant.
Coding change: c.1551+49C>A on transcript NM_000152.5 (MANE Select); 49 bases into the intron after coding-DNA position 1551, C replaced by A.
Molecular consequence: intron variant.
Genome position (GRCh38, 1-based): chr17:80,110,889, C>A. VCF-style: chr17-80110889-C-A. GRCh37 (hg19) VCF-style: chr17-78084688-C-A.
Other names: c.1551+49C>A (LRG_673t1, NM_001079803.3, NM_001079804.3).
Identifiers: ClinVar variation 255352 (VCV000255352.10), dbSNP rs2304843, ClinGen allele CA8815372.

ClinVar aggregate classification (germline): Benign. Review status: criteria provided, multiple submitters, no conflicts (2 of 4 stars). 5 submissions from 5 submitters: Benign (5). Last evaluated 2026-07-01.

Conditions:
Glycogen storage disease, type II (IOPD). Also called: CARDIOMEGALIA GLYCOGENICA DIFFUSA; GLYCOGEN STORAGE DISEASE II, INFANTILE-ONSET; POMPE DISEASE, INFANTILE-ONSET; ACID ALPHA-GLUCOSIDASE DEFICIENCY, INFANTILE-ONSET; GAA DEFICIENCY, INFANTILE-ONSET; ACID MALTASE DEFICIENCY, INFANTILE-ONSET. Identifiers: Orphanet 365, MedGen C0017921, MONDO:0009290, OMIM 232300.

Allele frequency attached by ClinVar (database versions not stated): 1000 Genomes Project 30x 0.59775; 1000 Genomes Project 0.59924; TOPMed 0.63468; gnomAD 0.66585; gnomAD exomes 0.66879; ESP Exome Variant Server 0.66984; ExAC 0.67483.

Submissions (5):

Genomenon, Inc
Classification: Benign for Glycogen storage disease, type II. Last evaluated: 2026-07-01. Review status: criteria provided, single submitter. Criteria: Genomenon Sequence Variant Interpretation Standards - Updated. Collection method: curation. Allele origin: germline. Affected: no.
Comment: GAA c.1551+49C>A is an intronic variant located in intron 10. This variant is present at high allele frequency in population databases. We classify GAA c.1551+49C>A as a benign variant.

Genome-Nilou Lab
Classification: Benign for Glycogen storage disease, type II. Last evaluated: 2021-06-10. Review status: criteria provided, single submitter. Criteria: ACMG Guidelines, 2015. Collection method: clinical testing. Allele origin: germline. Affected: no.

GeneDx
Classification: Benign. Last evaluated: 2015-03-03. Review status: criteria provided, single submitter. Criteria: GeneDx Variant Classification Process June 2021. Collection method: clinical testing. Allele origin: germline. Affected: yes.

Breakthrough Genomics
Classification: Benign. Review status: criteria provided, single submitter. Criteria: ACMG Guidelines, 2015. Collection method: not provided. Allele origin: germline. Inheritance: Autosomal recessive inheritance. Affected: yes.

PreventionGenetics, part of Exact Sciences
Classification: Benign. Review status: criteria provided, single submitter. Criteria: ACMG Guidelines, 2015. Collection method: clinical testing. Allele origin: germline.